The following is an entry in ClinVar:

ClinVar aggregate classification (germline): Conflicting classifications of pathogenicity. Review status: criteria provided, conflicting classifications (1 of 4 stars). 5 submissions from 4 submitters: Uncertain significance (2); Benign (1); Likely benign (1). 1 of the submissions does not count toward it. Last evaluated 2025-11-21.

Conditions:
Mucolipidosis type II. Also called: ML II ALPHA/BETA; Mucolipidosis 2; ML 2; Inclusion cell disease; Leroy Disease; N-acetylglucosamine 1phosphotransferase deficiency. Identifiers: Orphanet 576, MedGen C2673377, MONDO:0009650, OMIM 252500.
Pseudo-Hurler polydystrophy. Also called: ML III; ML III ALPHA/BETA; MUCOLIPIDOSIS IIIA; ML IIIA; Mucolipidosis III Alpha/Beta; Type III Mucolipidosis. Identifiers: Orphanet 423461, Orphanet 577, MedGen C0033788, MONDO:0018931, OMIM 252600.

Allele frequency attached by ClinVar (database versions not stated): gnomAD exomes 0.00004 and 0.00012; ESP Exome Variant Server 0.00008; ExAC 0.00039; 1000 Genomes Project 30x 0.00094.

Submissions (5):

Labcorp Genetics (formerly Invitae), Labcorp
Classification: Benign for Pseudo-Hurler polydystrophy; Mucolipidosis type II. Last evaluated: 2025-11-21. Review status: criteria provided, single submitter. Criteria: Invitae Variant Classification Sherloc (09022015). Collection method: clinical testing. Allele origin: germline.

CeGaT Center for Human Genetics Tuebingen
Classification: Likely benign. Last evaluated: 2024-06-01. Review status: criteria provided, single submitter. Criteria: CeGaT Center For Human Genetics Tuebingen Variant Classification Criteria Version 2. Collection method: clinical testing. Allele origin: germline. Affected: yes. Observed: 1 variant allele.
Comment: GNPTAB: BP4, BP7

Illumina Laboratory Services, Illumina
Classification: Uncertain significance for Mucolipidosis type II. Last evaluated: 2018-01-13. Review status: criteria provided, single submitter. Criteria: ICSL Variant Classification Criteria 13 December 2019. Collection method: clinical testing. Allele origin: germline.

Illumina Laboratory Services, Illumina
Classification: Uncertain significance for Pseudo-Hurler polydystrophy. Last evaluated: 2018-01-13. Review status: criteria provided, single submitter. Criteria: ICSL Variant Classification Criteria 13 December 2019. Collection method: clinical testing. Allele origin: germline.

Natera, Inc.
Classification: Likely benign for Mucolipidosis type II. Last evaluated: 2020-06-18. Review status: no assertion criteria provided. Collection method: clinical testing. Allele origin: germline. Not counted in ClinVar's aggregate classification.

NM_024312.5(GNPTAB):c.2028G>A (p.Pro676=)

Gene: GNPTAB (N-acetylglucosamine-1-phosphate transferase subunits alpha and beta; minus strand). Cytogenetic location: 12q23.2.
Variant type: single nucleotide variant.
Coding change: c.2028G>A on transcript NM_024312.5 (MANE Select); coding-DNA position 2028, G replaced by A.
Protein change: p.Pro676=; no amino-acid change (proline 676 retained).
Molecular consequence: synonymous variant.
Genome position (GRCh38, 1-based): chr12:101,764,889, C>T on the plus strand (G>A on the coding strand, the complement: GNPTAB is on the minus strand). VCF-style: chr12-101764889-C-T. GRCh37 (hg19) VCF-style: chr12-102158667-C-T.
Identifiers: ClinVar variation 306808 (VCV000306808.37), dbSNP rs192607073, ClinGen allele CA6746485.